The following is an entry in ClinVar:

ClinVar aggregate classification (germline): Benign/Likely benign. Review status: criteria provided, multiple submitters, no conflicts (2 of 4 stars). 16 submissions from 13 submitters: Benign (10); Likely benign (6). Last evaluated 2026-08-01.

Conditions:
Autosomal dominant hypocalcemia 1 (HYPOC1). Also called: HYPOCALCEMIA, FAMILIAL. Identifiers: MedGen C3715128, MONDO:0011013, OMIM 601198.
Familial hypocalciuric hypercalcemia (FHH). Also called: Familial benign hypercalcemia. Identifiers: Orphanet 405, MedGen C1809471, MONDO:0018458.
Nephrolithiasis/nephrocalcinosis. Identifiers: MedGen CN580796.
Familial hypocalciuric hypercalcemia 1. Also called: Hypercalcemia, familial benign type 1. Identifiers: Orphanet 405, Orphanet 93372, MedGen C0342637, MONDO:0007791, OMIM 145980.
Neonatal severe primary hyperparathyroidism. Identifiers: Orphanet 417, MedGen C1832615, MONDO:0009397, OMIM 239200.
Familial hypoparathyroidism. Also called: Familial isolated hypoparathyroidism. Identifiers: Orphanet 2238, MedGen C1832648, MONDO:0016390.

Allele frequency attached by ClinVar (database versions not stated): TOPMed 0.00487; 1000 Genomes Project 30x 0.00515; 1000 Genomes Project 0.00579; ESP Exome Variant Server 0.00638; ExAC 0.00881; gnomAD exomes 0.00907 and 0.01011; gnomAD 0.00963 and 0.01002.
gnomAD v4.1: 14,580 of 1,614,086 alleles (0.9%); highest among the groups gnomAD compares: Non-Finnish European, 0.83%; 170 homozygotes.

Submissions (16):

CeGaT Center for Human Genetics Tuebingen
Classification: Likely benign. Last evaluated: 2026-08-01. Review status: criteria provided, single submitter. Criteria: CeGaT Center For Human Genetics Tuebingen Variant Classification Criteria Version 2. Collection method: clinical testing. Allele origin: germline. Affected: yes. Observed: 17 variant alleles.
Comment: CASR: BP4, BS2

Labcorp Genetics (formerly Invitae), Labcorp
Classification: Benign for Familial hypocalciuric hypercalcemia; Autosomal dominant hypocalcemia 1. Last evaluated: 2026-02-03. Review status: criteria provided, single submitter. Criteria: Invitae Variant Classification Sherloc (09022015). Collection method: clinical testing. Allele origin: germline.

Mayo Clinic Laboratories, Mayo Clinic
Classification: Benign. Last evaluated: 2025-09-15. Review status: criteria provided, single submitter. Criteria: ACMG Guidelines, 2015. Collection method: clinical testing. Allele origin: germline. Observed: 23 variant alleles.

Center for Genomic Medicine, Rigshospitalet, Copenhagen University Hospital
Classification: Benign. Last evaluated: 2025-03-04. Review status: criteria provided, single submitter. Criteria: ACMG Guidelines, 2015. Collection method: clinical testing. Allele origin: germline.

Blueprint Genetics
Classification: Likely benign. Last evaluated: 2024-11-26. Review status: criteria provided, single submitter. Criteria: ACMG Guidelines, 2015. Collection method: clinical testing. Allele origin: germline.

ARUP Laboratories, Molecular Genetics and Genomics, ARUP Laboratories
Classification: Benign. Last evaluated: 2023-10-23. Review status: criteria provided, single submitter. Criteria: ARUP Molecular Germline Variant Investigation Process 2024. Collection method: clinical testing. Allele origin: germline.

GeneDx
Classification: Benign. Last evaluated: 2019-02-12. Review status: criteria provided, single submitter. Criteria: GeneDx Variant Classification Process June 2021. Collection method: clinical testing. Allele origin: germline. Affected: yes.
Comment: This variant is associated with the following publications: (PMID: 18680227, 16497624, 26166472, 20164288, 17698911, 17320849, 25039540)

Ambry Genetics
Classification: Benign for Nephrolithiasis/nephrocalcinosis. Last evaluated: 2018-09-24. Review status: criteria provided, single submitter. Criteria: Ambry Variant Classification Scheme 2023. Collection method: clinical testing. Allele origin: germline.

Illumina Laboratory Services, Illumina
Classification: Likely benign for Autosomal dominant hypocalcemia 1. Last evaluated: 2018-01-12. Review status: criteria provided, single submitter. Criteria: ICSL Variant Classification Criteria 13 December 2019. Collection method: clinical testing. Allele origin: germline.
Comment: This variant was observed in the ICSL laboratory as part of a predisposition screen in an ostensibly healthy population. It had not been previously curated by ICSL or reported in the Human Gene Mutation Database (HGMD: prior to June 1st, 2018), and was therefore a candidate for classification through an automated scoring system. Utilizing variant allele frequency, disease prevalence and penetrance estimates, and inheritance mode, an automated score was calculated to assess if this variant is too frequent to cause the disease. Based on the score and internal cut-off values, a variant classified as likely benign is not then subjected to further curation. The score for this variant resulted in a classification of likely benign for this disease.

Illumina Laboratory Services, Illumina
Classification: Likely benign for Familial hypocalciuric hypercalcemia 1. Last evaluated: 2018-01-12. Review status: criteria provided, single submitter. Criteria: ICSL Variant Classification Criteria 13 December 2019. Collection method: clinical testing. Allele origin: germline.
Comment: the same text as in the submission from Illumina Laboratory Services, Illumina above.

Illumina Laboratory Services, Illumina
Classification: Likely benign for Neonatal severe primary hyperparathyroidism. Last evaluated: 2018-01-12. Review status: criteria provided, single submitter. Criteria: ICSL Variant Classification Criteria 13 December 2019. Collection method: clinical testing. Allele origin: germline.
Comment: the same text as in the submission from Illumina Laboratory Services, Illumina above.

Illumina Laboratory Services, Illumina
Classification: Benign for Familial isolated hypoparathyroidism. Last evaluated: 2018-01-12. Review status: criteria provided, single submitter. Criteria: ICSL Variant Classification Criteria 13 December 2019. Collection method: clinical testing. Allele origin: germline.
Comment: This variant was observed in the ICSL laboratory as part of a predisposition screen in an ostensibly healthy population. It had not been previously curated by ICSL or reported in the Human Gene Mutation Database (HGMD: prior to June 1st, 2018), and was therefore a candidate for classification through an automated scoring system. Utilizing variant allele frequency, disease prevalence and penetrance estimates, and inheritance mode, an automated score was calculated to assess if this variant is too frequent to cause the disease. Based on the score and internal cut-off values, a variant classified as benign is not then subjected to further curation. The score for this variant resulted in a classification of benign for this disease.

Athena Diagnostics
Classification: Benign. Last evaluated: 2017-09-13. Review status: criteria provided, single submitter. Criteria: Athena Diagnostics Criteria. Collection method: clinical testing. Allele origin: germline.

Eurofins Ntd Llc (ga)
Classification: Benign. Last evaluated: 2015-05-01. Review status: criteria provided, single submitter. Criteria: EGL Classification Definitions 2015. Collection method: clinical testing. Allele origin: germline. Observed: 1 variant allele, 1 heterozygote.

Breakthrough Genomics
Classification: Likely benign. Review status: criteria provided, single submitter. Criteria: ACMG Guidelines, 2015. Collection method: not provided. Allele origin: germline. Inheritance: Autosomal recessive inheritance. Affected: yes.

PreventionGenetics, part of Exact Sciences
Classification: Benign. Review status: criteria provided, single submitter. Criteria: ACMG Guidelines, 2015. Collection method: clinical testing. Allele origin: germline.

Literature cited by the submitters: PubMed 16497624 (cited by Athena Diagnostics); PubMed 17320849 (cited by Athena Diagnostics); PubMed 17698911 (cited by Athena Diagnostics); PubMed 18680227 (cited by Athena Diagnostics); PubMed 20164288 (cited by Athena Diagnostics).

NM_000388.4(CASR):c.2610G>A (p.Glu870=)

Gene: CASR (calcium sensing receptor; plus strand). Cytogenetic location: 3q21.1.
Variant type: single nucleotide variant.
Coding change: c.2610G>A on transcript NM_000388.4 (MANE Select); coding-DNA position 2610, G replaced by A.
Protein change: p.Glu870=; no amino-acid change (glutamic acid 870 retained).
Molecular consequence: synonymous variant.
Genome position (GRCh38, 1-based): chr3:122,284,564, G>A. VCF-style: chr3-122284564-G-A. GRCh37 (hg19) VCF-style: chr3-122003411-G-A.
Other names: p.Glu870=; c.2640G>A, p.Glu880= (NM_001178065.2).
Identifiers: ClinVar variation 198070 (VCV000198070.60), dbSNP rs143738711, ClinGen allele CA203217.
Genomic context (GRCh38, chr3:122,284,564, plus strand): 5'-GTGCATCTTCTTCAACAAGATCTACATCATTCTCTTCAAGCCATCCCGCAACACCATCGA[G>A]GAGGTGCGTTGCAGCACCGCAGCTCACGCTTTCAAGGTGGCTGCCCGGGCCACGCTGCGC-3'
Protein context (NP_000379.3, residues 860-880): ILFKPSRNTI[Glu870=]EVRCSTAAHA